The following is an entry in ClinVar:

ClinVar aggregate classification (germline): Pathogenic. Review status: criteria provided, multiple submitters, no conflicts (2 of 4 stars). 2 submissions from 2 submitters: Pathogenic (2). Last evaluated 2021-05-06.

Conditions:
Transcobalamin II deficiency (TCN2D). Also called: Transcolabamin II deficiency; TC II DEFICIENCY; TCN2 DEFICIENCY. Identifiers: Orphanet 859, MedGen C0342701, MONDO:0010149, OMIM 275350.

Allele frequency attached by ClinVar (database versions not stated): gnomAD 0.00001; gnomAD exomes 0.00001; ExAC 0.00002.
gnomAD v4.1: 5 of 1,614,006 alleles (0.00031%); highest among the groups gnomAD compares: South Asian, 0.0011%; no homozygotes.

Submissions (2):

Labcorp Genetics (formerly Invitae), Labcorp
Classification: Pathogenic for Transcobalamin II deficiency. Last evaluated: 2021-05-06. Review status: criteria provided, single submitter. Criteria: Invitae Variant Classification Sherloc (09022015). Collection method: clinical testing. Allele origin: germline.
Comment: For these reasons, this variant has been classified as Pathogenic. Studies have shown that this variant results in skipping of exon 7, which introduces a new termination codon (PMID: 20607612). The resulting mRNA is expected to undergo nonsense-mediated decay. This variant has been observed in individual(s) with transcobalamin II deficiency (PMID: 20607612). It has also been observed to segregate with disease in related individuals. This variant is present in population databases (rs766478911, ExAC 0.006%). This sequence change affects a donor splice site in intron 7 of the TCN2 gene. RNA analysis indicates that this variant induces altered splicing and likely disrupts the C-terminus of the protein.

Suma Genomics
Classification: Pathogenic for Transcobalamin II deficiency. Review status: criteria provided, single submitter. Criteria: ACMG Guidelines, 2015. Collection method: clinical testing. Allele origin: germline. Inheritance: Autosomal recessive inheritance. Affected: yes. Observed: 1 homozygote.
Comment: A splice variant c.1106+1G>A (g.30617496G>A) is observed in intron 7 of TCN2 in homozygous state. This variant is observed in five individuals in heterozygous state in the gnomAD database. In-silico analysis tool SpliceAI predicts this variant in TCN2 to cause aberrant splicing. ACMG criteria met: PVS1: Null variant in a gene where loss of function is a known mechanism of disease PM2_Supporting: Extremely low frequency in gnomAD population databases PM3_Strong: For recessive disorders, detected in trans with a pathogenic variant, or in a homozygous or compound heterozygous state in affected cases (ClinVar id. 1353281)

Literature cited by the submitters: PubMed 20607612 (cited by Labcorp Genetics (formerly Invitae), Labcorp).

NM_000355.4(TCN2):c.1106+1G>A

Gene: TCN2 (transcobalamin 2; plus strand). Cytogenetic location: 22q12.2.
Variant type: single nucleotide variant.
Coding change: c.1106+1G>A on transcript NM_000355.4 (MANE Select); the canonical splice donor site of the intron after coding-DNA position 1106, G replaced by A.
Molecular consequence: splice donor variant.
Genome position (GRCh38, 1-based): chr22:30,617,496, G>A. VCF-style: chr22-30617496-G-A. GRCh37 (hg19) VCF-style: chr22-31013483-G-A.
Other names: c.1025+1G>A (NM_001184726.2).
Identifiers: ClinVar variation 1353281 (VCV001353281.10), dbSNP rs766478911, ClinGen allele CA10184960.